The following is an entry in ClinVar:

NM_001256545.2(MEGF10):c.3166C>T (p.Arg1056Ter)

Gene: MEGF10 (multiple EGF like domains 10; plus strand). Cytogenetic location: 5q23.2.
Variant type: single nucleotide variant.
Coding change: c.3166C>T on transcript NM_001256545.2 (MANE Select); coding-DNA position 3166, C replaced by T.
Protein change: p.Arg1056Ter; replaces arginine 1056 with a stop codon.
Molecular consequence: nonsense.
Genome position (GRCh38, 1-based): chr5:127,455,541, C>T. VCF-style: chr5-127455541-C-T. GRCh37 (hg19) VCF-style: chr5-126791233-C-T.
Other names: c.3166C>T, p.Arg1056Ter (NM_032446.3); short protein forms R1056*.
Identifiers: ClinVar variation 472740 (VCV000472740.11), dbSNP rs989552169, ClinGen allele CA126952386.
Genomic context (GRCh38, chr5:127,455,541, plus strand): 5'-CCACCTGTACTTATCCCGAAAAGCTCAGAGTGTGGTTATGTGGAGATGAAATCGCCGGCA[C>T]GAAGAGATTCCCCATATGCAGAGATCAATAACTCAACTTCAGCCAACAGGAATGTCTATG-3'

ClinVar aggregate classification (germline): Conflicting classifications of pathogenicity. Review status: criteria provided, conflicting classifications (1 of 4 stars). 3 submissions from 3 submitters: Pathogenic (1); Likely pathogenic (1); Uncertain significance (1). Last evaluated 2025-10-02.

Conditions:
MEGF10-related myopathy (CMYO10A). Also called: Congenital myopathy 10A, severe variant. Identifiers: Orphanet 439212, MedGen C3280679, MONDO:0013731, OMIM 614399.

Allele frequency attached by ClinVar (database versions not stated): gnomAD 0.00001; gnomAD exomes 0.00001; TOPMed 0.00002.
gnomAD v4.1: 11 of 1,613,932 alleles (0.00068%); highest among the groups gnomAD compares: Non-Finnish European, 0.00093%; no homozygotes.

Submissions (3):

Labcorp Genetics (formerly Invitae), Labcorp
Classification: Pathogenic for MEGF10-related myopathy. Last evaluated: 2025-10-02. Review status: criteria provided, single submitter. Criteria: Invitae Variant Classification Sherloc (09022015). Collection method: clinical testing. Allele origin: germline.
Comment: This sequence change creates a premature translational stop signal (p.Arg1056*) in the MEGF10 gene. It is expected to result in an absent or disrupted protein product. Loss-of-function variants in MEGF10 are known to be pathogenic (PMID: 22101682, 22371254, 23453856, 23954233). This variant is not present in population databases (gnomAD no frequency). This variant has not been reported in the literature in individuals affected with MEGF10-related conditions. ClinVar contains an entry for this variant (Variation ID: 472740). For these reasons, this variant has been classified as Pathogenic.

GeneDx
Classification: Likely pathogenic. Last evaluated: 2023-04-09. Review status: criteria provided, single submitter. Criteria: GeneDx Variant Classification Process June 2021. Collection method: clinical testing. Allele origin: germline. Affected: yes.
Comment: Nonsense variant predicted to result in protein truncation or nonsense mediated decay in a gene for which loss-of-function is a known mechanism of disease; Not observed at significant frequency in large population cohorts (gnomAD); Has not been previously published as pathogenic or benign to our knowledge

Baylor Genetics
Classification: Uncertain significance for MEGF10-related myopathy. Last evaluated: 2023-03-17. Review status: criteria provided, single submitter. Criteria: ACMG Guidelines, 2015. Collection method: clinical testing. Allele origin: unknown.

Literature cited by the submitters: PubMed 22101682 (cited by Labcorp Genetics (formerly Invitae), Labcorp); PubMed 22371254 (cited by Labcorp Genetics (formerly Invitae), Labcorp); PubMed 23453856 (cited by Labcorp Genetics (formerly Invitae), Labcorp); PubMed 23954233 (cited by Labcorp Genetics (formerly Invitae), Labcorp).